The following is an entry in ClinVar:

NM_001365536.1(SCN9A):c.1993C>A (p.His665Asn)

Genes: SCN9A (sodium voltage-gated channel alpha subunit 9; minus strand), SCN1A-AS1 (SCN1A and SCN9A antisense RNA 1; plus strand). Cytogenetic location: 2q24.3.
Variant type: single nucleotide variant.
Coding change: c.1993C>A on transcript NM_001365536.1 (MANE Select); coding-DNA position 1993, C replaced by A.
Protein change: p.His665Asn; replaces histidine 665 with asparagine.
Molecular consequence: missense variant.
Genome position (GRCh38, 1-based): chr2:166,281,790, G>T on the plus strand (C>A on the coding strand, the complement: SCN9A is on the minus strand). VCF-style: chr2-166281790-G-T. GRCh37 (hg19) VCF-style: chr2-167138300-G-T.
Other names: c.1960C>A, p.His654Asn (NM_002977.4); short protein forms H665N, H654N.
Identifiers: ClinVar variation 1921020 (VCV001921020.5), dbSNP rs375720286, ClinGen allele CA1944366.
Genomic context (GRCh38, chr2:166,281,790, plus strand): 5'-GGTTGGGATCATTCAGCATATCCTCTGAAAGGAGATAGGAACTACAACGCCTTTTCTTGT[G>T]TATTTGATTGGTCGTGCCCTAAAAAAAAAATCAATTAATGTCTTAAGAACAGAATCCTAA-3'
Protein context (NP_001352465.1, residues 655-675): SDDSGTTNQI[His665Asn]KKRRCSSYLL

ClinVar aggregate classification (germline): Uncertain significance (1 of 4 stars; one submission).

Conditions:
Generalized epilepsy with febrile seizures plus, type 7 (GEFSP7). Also called: GEFS+, TYPE 7. Identifiers: Orphanet 36387, MedGen C2751778, MONDO:0013470, OMIM 613863.
Neuropathy, hereditary sensory and autonomic, type 2A (HSAN2A). Also called: HSAN IIA; MORVAN DISEASE; NEUROPATHY, CONGENITAL SENSORY; NEUROPATHY, HEREDITARY SENSORY RADICULAR, AUTOSOMAL RECESSIVE; NEUROPATHY, HEREDITARY SENSORY, TYPE IIA; NEUROPATHY, PROGRESSIVE SENSORY, OF CHILDREN. Identifiers: Orphanet 970, MedGen C2752089, MONDO:0024309, OMIM 201300.

Allele frequency attached by ClinVar (database versions not stated): ExAC 0.00001; gnomAD 0.00001; TOPMed 0.00001; ESP Exome Variant Server 0.00008.
gnomAD v4.1: 3 of 1,611,328 alleles (0.00019%); highest among the groups gnomAD compares: African/African-American, 0.004%; no homozygotes.

Submission:

Labcorp Genetics (formerly Invitae), Labcorp
Classification: Uncertain significance for Neuropathy, hereditary sensory and autonomic, type 2A; Generalized epilepsy with febrile seizures plus, type 7. Last evaluated: 2024-01-08. Review status: criteria provided, single submitter. Criteria: Invitae Variant Classification Sherloc (09022015). Collection method: clinical testing. Allele origin: germline.
Comment: This sequence change replaces histidine, which is basic and polar, with asparagine, which is neutral and polar, at codon 654 of the SCN9A protein (p.His654Asn). This variant is present in population databases (rs375720286, gnomAD 0.01%). This variant has not been reported in the literature in individuals affected with SCN9A-related conditions. ClinVar contains an entry for this variant (Variation ID: 1921020). Advanced modeling of protein sequence and biophysical properties (such as structural, functional, and spatial information, amino acid conservation, physicochemical variation, residue mobility, and thermodynamic stability) performed at Invitae indicates that this missense variant is not expected to disrupt SCN9A protein function with a negative predictive value of 95%. In summary, the available evidence is currently insufficient to determine the role of this variant in disease. Therefore, it has been classified as a Variant of Uncertain Significance.